The following is an entry in ClinVar:

ClinVar aggregate classification (germline): Uncertain significance (1 of 4 stars; one submission).

Submission:

GeneDx
Classification: Uncertain significance. Last evaluated: 2025-03-06. Review status: criteria provided, single submitter. Criteria: GeneDx Variant Classification Process June 2021. Collection method: clinical testing. Allele origin: germline.
Comment: Not observed at significant frequency in large population cohorts (gnomAD); In silico analysis supports a deleterious effect on protein structure/function; Has not been previously published as pathogenic or benign to our knowledge

NM_001904.4(CTNNB1):c.696_698delinsAAG (p.Phe232_Lys233delinsLeuArg)

Genes: CTNNB1 (catenin beta 1; plus strand), LOC126806658 (BRD4-independent group 4 enhancer GRCh37_chr3:41265899-41267098; plus strand). Cytogenetic location: 3p22.1.
Variant type: Indel.
Coding change: c.696_698delinsAAG on transcript NM_001904.4 (MANE Select); coding-DNA positions 696 to 698, TAA replaced by AAG.
Protein change: p.Phe232_Lys233delinsLeuArg.
Molecular consequence: missense variant.
Genome position (GRCh38, 1-based): chr3:41,225,534-41,225,536, TAA replaced by AAG. VCF-style: chr3-41225534-TAA-AAG. GRCh37 (hg19) VCF-style: chr3-41267025-TAA-AAG.
Other names: c.696_698delinsAAG, p.Phe232_Lys233delinsLeuArg (NM_001098209.2, NM_001098210.2); c.675_677delinsAAG, p.Phe225_Lys226delinsLeuArg (NM_001330729.2).
Identifiers: ClinVar variation 1800539 (VCV001800539.2), dbSNP rs2470787086, ClinGen allele CA2580069821.